The following is an entry in ClinVar:

NM_001348738.2(KIDINS220):c.4040del (p.Pro1347fs)

Gene: KIDINS220 (kinase D interacting substrate 220; minus strand). Cytogenetic location: 2p25.1.
Variant type: Deletion.
Coding change: c.4040del on transcript NM_001348738.2; coding-DNA position 4040, one base deleted (C; older notation c.4040delC).
Protein change: p.Pro1347fs; shifts the reading frame from proline 1347.
Molecular consequence: frameshift variant. On other transcripts: non-coding transcript variant (2).
Genome position (GRCh38, 1-based): chr2:8,726,900, G deleted on the plus strand (C on the coding strand, the reverse complement: KIDINS220 is on the minus strand); the first of 2 consecutive G bases (chr2:8,726,900-8,726,901); deleting either gives the same sequence. VCF-style (leftmost placement, unchanged base first): chr2-8726899-TG-T. GRCh37 (hg19) VCF-style: chr2-8867029-TG-T.
Other names: c.3929del, p.Pro1310fs (NM_001348739.2, NM_001348740.2); c.3926del, p.Pro1309fs (NM_001348741.2, NM_001348742.2, NM_001348743.2); short protein forms P1309fs, P1310fs, P1347fs.
Identifiers: ClinVar variation 5000647 (VCV005000647.1).

ClinVar aggregate classification (germline): Uncertain significance (1 of 4 stars; one submission).

Conditions:
KIDINS220-related disorder. Also called: KIDINS220-related condition.

Submission:

PreventionGenetics, part of Exact Sciences
Classification: Uncertain significance for KIDINS220-related condition. Last evaluated: 2025-08-04. Review status: criteria provided, single submitter. Criteria: ACMG Guidelines, 2015. Collection method: clinical testing. Allele origin: germline.
Comment: The KIDINS220 c.4040delC variant is predicted to result in a frameshift and premature protein termination (p.Pro1347Glnfs*53). To our knowledge, this variant has not been reported in the literature or in a large population database (gnomAD), indicating this variant is rare. At this time, the clinical significance of this variant is uncertain due to the absence of conclusive functional and genetic evidence.